The following is an entry in ClinVar:

NM_012073.5(CCT5):c.243G>T (p.Met81Ile)

Gene: CCT5 (chaperonin containing TCP1 subunit 5; plus strand). Cytogenetic location: 5p15.2.
Variant type: single nucleotide variant.
Coding change: c.243G>T on transcript NM_012073.5 (MANE Select); coding-DNA position 243, G replaced by T.
Protein change: p.Met81Ile; replaces methionine 81 with isoleucine.
Molecular consequence: missense variant. On other transcripts: intron variant (2).
Genome position (GRCh38, 1-based): chr5:10,254,750, G>T. VCF-style: chr5-10254750-G-T. GRCh37 (hg19) VCF-style: chr5-10254862-G-T.
Other names: c.180G>T, p.Met60Ile (NM_001306153.1); c.129G>T, p.Met43Ile (NM_001306156.2); c.166+545G>T (NM_001306154.2); c.52+545G>T (NM_001306155.2); short protein forms M43I, M60I, M81I.
Identifiers: ClinVar variation 2965484 (VCV002965484.3), dbSNP rs2477424559, ClinGen allele CA359180584.

ClinVar aggregate classification (germline): Uncertain significance (1 of 4 stars; one submission).

Conditions:
Hereditary sensory and autonomic neuropathy with spastic paraplegia (HSNSP). Identifiers: Orphanet 139578, MedGen C1850395, MONDO:0009748, OMIM 256840.

Submission:

Labcorp Genetics (formerly Invitae), Labcorp
Classification: Uncertain significance for Hereditary sensory and autonomic neuropathy with spastic paraplegia. Last evaluated: 2025-10-27. Review status: criteria provided, single submitter. Criteria: Invitae Variant Classification Sherloc (09022015). Collection method: clinical testing. Allele origin: germline.
Comment: This sequence change replaces methionine, which is neutral and non-polar, with isoleucine, which is neutral and non-polar, at codon 81 of the CCT5 protein (p.Met81Ile). This variant is not present in population databases (gnomAD no frequency). This variant has not been reported in the literature in individuals affected with CCT5-related conditions. ClinVar contains an entry for this variant (Variation ID: 2965484). Invitae Evidence Modeling of protein sequence and biophysical properties (such as structural, functional, and spatial information, amino acid conservation, physicochemical variation, residue mobility, and thermodynamic stability) indicates that this missense variant is not expected to disrupt CCT5 protein function with a negative predictive value of 80%. In summary, the available evidence is currently insufficient to determine the role of this variant in disease. Therefore, it has been classified as a Variant of Uncertain Significance.